The following is an entry in ClinVar:

NM_002474.3(MYH11):c.2393G>A (p.Arg798His)

Gene: MYH11 (myosin heavy chain 11; minus strand). Cytogenetic location: 16p13.11.
Variant type: single nucleotide variant.
Coding change: c.2393G>A on transcript NM_002474.3 (MANE Select); coding-DNA position 2393, G replaced by A.
Protein change: p.Arg798His; replaces arginine 798 with histidine.
Molecular consequence: missense variant.
Genome position (GRCh38, 1-based): chr16:15,747,588, C>T on the plus strand (G>A on the coding strand, the complement: MYH11 is on the minus strand). VCF-style: chr16-15747588-C-T. GRCh37 (hg19) VCF-style: chr16-15841445-C-T.
Other names: c.2414G>A, p.Arg805His (NM_001040113.2, NM_001040114.2); c.2393G>A, p.Arg798His (NM_022844.3); short protein forms R798H, R805H.
Identifiers: ClinVar variation 923649 (VCV000923649.13), dbSNP rs757602048, ClinGen allele CA7922300.

ClinVar aggregate classification (germline): Uncertain significance. Review status: criteria provided, multiple submitters, no conflicts (2 of 4 stars). 5 submissions from 5 submitters: Uncertain significance (5). Last evaluated 2025-09-02.

Conditions:
Aortic aneurysm, familial thoracic 4 (AAT4). Also called: AORTIC ANEURYSM/AORTIC DISSECTION AND PATENT DUCTUS ARTERIOSUS. Identifiers: MedGen C1851504, MONDO:0007568, OMIM 132900.
Familial thoracic aortic aneurysm and aortic dissection (TAAD). Also called: Thoracic aortic aneurysms and dissections. Identifiers: Orphanet 91387, MedGen C4707243, MONDO:0019625.

Allele frequency attached by ClinVar (database versions not stated): ExAC 0.00001; gnomAD 0.00001; gnomAD exomes 0.00001; TOPMed 0.00002.
gnomAD v4.1: 38 of 1,613,962 alleles (0.0024%); highest among the groups gnomAD compares: East Asian, 0.062%; no homozygotes.

Submissions (5):

Labcorp Genetics (formerly Invitae), Labcorp
Classification: Uncertain significance for Aortic aneurysm, familial thoracic 4. Last evaluated: 2025-09-02. Review status: criteria provided, single submitter. Criteria: Invitae Variant Classification Sherloc (09022015). Collection method: clinical testing. Allele origin: germline.
Comment: This sequence change replaces arginine, which is basic and polar, with histidine, which is basic and polar, at codon 805 of the MYH11 protein (p.Arg805His). This variant is present in population databases (rs757602048, gnomAD 0.01%). This variant has not been reported in the literature in individuals affected with MYH11-related conditions. ClinVar contains an entry for this variant (Variation ID: 923649). Invitae Evidence Modeling of protein sequence and biophysical properties (such as structural, functional, and spatial information, amino acid conservation, physicochemical variation, residue mobility, and thermodynamic stability) indicates that this missense variant is not expected to disrupt MYH11 protein function with a negative predictive value of 80%. In summary, the available evidence is currently insufficient to determine the role of this variant in disease. Therefore, it has been classified as a Variant of Uncertain Significance.

Women's Health and Genetics/Laboratory Corporation of America, LabCorp
Classification: Uncertain significance. Last evaluated: 2025-03-17. Review status: criteria provided, single submitter. Criteria: LabCorp Variant Classification Summary - May 2015. Collection method: clinical testing. Allele origin: germline.
Comment: Variant summary: MYH11 c.2414G>A (p.Arg805His) results in a non-conservative amino acid change in the encoded protein sequence. Five of five in-silico tools predict a damaging effect of the variant on protein function. The variant allele was found at a frequency of 1.2e-05 in 251494 control chromosomes. The available data on variant occurrences in the general population are insufficient to allow any conclusion about variant significance. To our knowledge, no occurrence of c.2414G>A in individuals affected with Aortopathy and no experimental evidence demonstrating its impact on protein function have been reported. ClinVar contains an entry for this variant (Variation ID: 923649). Based on the evidence outlined above, the variant was classified as uncertain significance.

Color Diagnostics, LLC DBA Color Health
Classification: Uncertain significance for Familial thoracic aortic aneurysm and aortic dissection. Last evaluated: 2024-03-06. Review status: criteria provided, single submitter. Criteria: ACMG Guidelines, 2015. Collection method: clinical testing. Allele origin: germline.
Comment: This missense variant replaces arginine with histidine at codon 805 of the MYH11 protein. Computational prediction suggests that this variant may have a deleterious impact on protein structure and function (internally defined REVEL score threshold >= 0.7, PMID: 27666373). To our knowledge, functional studies have not been reported for this variant. This variant has not been reported in individuals affected with MYH11-related disorders in the literature. This variant has been identified in 3/251494 chromosomes in the general population by the Genome Aggregation Database (gnomAD). The available evidence is insufficient to determine the role of this variant in disease conclusively. Therefore, this variant is classified as a Variant of Uncertain Significance.

All of Us Research Program, National Institutes of Health
Classification: Uncertain significance for Familial thoracic aortic aneurysm and aortic dissection. Last evaluated: 2023-08-15. Review status: criteria provided, single submitter. Criteria: ACMG Guidelines, 2015. Collection method: clinical testing. Allele origin: germline. Inheritance: Autosomal dominant inheritance. Observed: 2 variant alleles, 2 heterozygotes.
Comment: This missense variant replaces arginine with histidine at codon 805 of the MYH11 protein. Computational prediction suggests that this variant may have a deleterious impact on protein structure and function (internally defined REVEL score threshold >= 0.7, PMID: 27666373). To our knowledge, functional studies have not been reported for this variant. This variant has not been reported in individuals affected with MYH11-related disorders in the literature. This variant has been identified in 3/251494 chromosomes in the general population by the Genome Aggregation Database (gnomAD). The available evidence is insufficient to determine the role of this variant in disease conclusively. Therefore, this variant is classified as a Variant of Uncertain Significance.

This study involves interpretation of variants in research participants for the purpose of population health screening. Participant phenotype was not available at the time of variant classification. Additional details can be found in publication PMID: 35346344, PMCID: PMC8962531

GeneDx
Classification: Uncertain significance. Last evaluated: 2022-04-27. Review status: criteria provided, single submitter. Criteria: GeneDx Variant Classification Process June 2021. Collection method: clinical testing. Allele origin: germline. Affected: yes.
Comment: Has not been previously published as pathogenic or benign to our knowledge; Not observed at significant frequency in large population cohorts (gnomAD); In silico analysis supports that this missense variant has a deleterious effect on protein structure/function